The following is an entry in ClinVar:

ClinVar aggregate classification (germline): Conflicting classifications of pathogenicity. Review status: criteria provided, conflicting classifications (1 of 4 stars). 2 submissions from 2 submitters: Likely pathogenic (1); Uncertain significance (1). Last evaluated 2025-09-02.

Conditions:
Mitochondrial DNA depletion syndrome 13. Also called: FBXL4-Related Encephalomyopathic Mitochondrial DNA Depletion Syndrome; Mitochondrial DNA depletion syndrome 13 (encephalomyopathic type). Identifiers: Orphanet 369897, MedGen C3809592, MONDO:0014198, OMIM 615471.

Allele frequency attached by ClinVar (database versions not stated): gnomAD exomes below 0.00001; gnomAD 0.00001; TOPMed 0.00001.
gnomAD v4.1: 6 of 1,613,924 alleles (0.00037%); highest among the groups gnomAD compares: African/African-American, 0.0013%; no homozygotes.

Submissions (2):

Women's Health and Genetics/Laboratory Corporation of America, LabCorp
Classification: Uncertain significance. Last evaluated: 2025-09-02. Review status: criteria provided, single submitter. Criteria: LabCorp Variant Classification Summary - May 2015. Collection method: clinical testing. Allele origin: germline.
Comment: Variant summary: FBXL4 c.445G>A (p.Gly149Arg) results in a non-conservative amino acid change in the encoded protein sequence. Algorithms developed to predict the effect of missense changes on protein structure and function are either unavailable or do not agree on the potential impact of this missense change. The variant allele was found at a frequency of 4e-06 in 251242 control chromosomes (gnomAD). c.445G>A has been observed in an individual affected with FBXL4 deficiency (Huemer_2015). These data indicate that the variant may be associated with disease. To our knowledge, no experimental evidence demonstrating an impact on protein function has been reported. The following publication has been ascertained in the context of this evaluation (PMID: 25868664). ClinVar contains an entry for this variant (Variation ID: 437470). Based on the evidence outlined above, the variant was classified as VUS-possibly pathogenic.

Wong Mito Lab, Molecular and Human Genetics, Baylor College of Medicine
Classification: Likely pathogenic for Mitochondrial DNA depletion syndrome 13. Last evaluated: 2017-08-10. Review status: criteria provided, single submitter. Criteria: ACMG Guidelines, 2015. Collection method: clinical testing. Allele origin: germline. Affected: yes.
Comment: The NM_012160.4:c.445G>A (NP_036292.2:p.Gly149Arg) [GRCH38: NC_000006.12:g.98926544C>T] variant in FBXL4 gene is interpretated to be a Likely Pathogenic based on ACMG guidelines (PMID: 25741868). This variant has been reported in PMID:25868664 . This variant meets one or more of the following evidence codes reported in the ACMG-guideline. PM2:This variant is absent in key population databases. PP2:This is a missense variant in FBXL4 with a low rate of benign and high rate of pathogenic missense variations. PP3:Computational evidence/predictors indicate the variant has deleterious effect on FBXL4 structure, function, or protein-protein interaction. PP4:Patientâ€™s phenotype or family history is highly specific for FBXL4. PP5:Reputable source(s) suggest that the variant is pathogenic. Based on this evidence code ClinGen Pathogenicity Calculator (PMID:28081714) suggested that the variant is Likely Pathogenic.

Literature cited by the submitters: PubMed 25868664 (cited by Women's Health and Genetics/Laboratory Corporation of America, LabCorp and Wong Mito Lab, Molecular and Human Genetics, Baylor College of Medicine).

NM_001278716.2(FBXL4):c.445G>A (p.Gly149Arg)

Gene: FBXL4 (F-box and leucine rich repeat protein 4; minus strand). Cytogenetic location: 6q16.2.
Variant type: single nucleotide variant.
Coding change: c.445G>A on transcript NM_001278716.2 (MANE Select); coding-DNA position 445, G replaced by A.
Protein change: p.Gly149Arg; replaces glycine 149 with arginine.
Molecular consequence: missense variant. On other transcripts: non-coding transcript variant (2).
Genome position (GRCh38, 1-based): chr6:98,926,544, C>T on the plus strand (G>A on the coding strand, the complement: FBXL4 is on the minus strand). VCF-style: chr6-98926544-C-T. GRCh37 (hg19) VCF-style: chr6-99374420-C-T.
Other names: c.445G>A, p.Gly149Arg (NM_012160.5); short protein forms G149R.
Identifiers: ClinVar variation 437470 (VCV000437470.2), dbSNP rs1345325140, ClinGen allele CA16021013.
Genomic context (GRCh38, chr6:98,926,544, plus strand): 5'-CAGCTGGTGGATTTGGGGAATAAGGATTTGCAGAACAAGCGAGAATTCTAATGACTGCTC[C>T]GGGATGATAGGTTTCTAGAACATGTACAGCTGTAGGATACACCTGTTGTTCAAAAGTAAG-3'
Protein context (NP_001265645.1, residues 139-159): AVHVLETYHP[Gly149Arg]AVIRILACSA